The following is an entry in ClinVar:

ClinVar aggregate classification (germline): Uncertain significance (1 of 4 stars; one submission).

Submission:

Labcorp Genetics (formerly Invitae), Labcorp
Classification: Uncertain significance. Last evaluated: 2025-03-18. Review status: criteria provided, single submitter. Criteria: Invitae Variant Classification Sherloc (09022015). Collection method: clinical testing. Allele origin: germline.
Comment: This sequence change replaces glutamic acid, which is acidic and polar, with aspartic acid, which is acidic and polar, at codon 880 of the COL4A1 protein (p.Glu880Asp). This variant is not present in population databases (gnomAD no frequency). This variant has not been reported in the literature in individuals affected with COL4A1-related conditions. Invitae Evidence Modeling of protein sequence and biophysical properties (such as structural, functional, and spatial information, amino acid conservation, physicochemical variation, residue mobility, and thermodynamic stability) indicates that this missense variant is not expected to disrupt COL4A1 protein function with a negative predictive value of 95%. In summary, the available evidence is currently insufficient to determine the role of this variant in disease. Therefore, it has been classified as a Variant of Uncertain Significance.

NM_001845.6(COL4A1):c.2640A>C (p.Glu880Asp)

Gene: COL4A1 (collagen type IV alpha 1 chain; minus strand). Cytogenetic location: 13q34.
Variant type: single nucleotide variant.
Coding change: c.2640A>C on transcript NM_001845.6 (MANE Select); coding-DNA position 2640, A replaced by C.
Protein change: p.Glu880Asp; replaces glutamic acid 880 with aspartic acid.
Molecular consequence: missense variant.
Genome position (GRCh38, 1-based): chr13:110,177,918, T>G on the plus strand (A>C on the coding strand, the complement: COL4A1 is on the minus strand). VCF-style: chr13-110177918-T-G. GRCh37 (hg19) VCF-style: chr13-110830265-T-G.
Other names: short protein forms E880D.
Identifiers: ClinVar variation 4746039 (VCV004746039.1).